The following is an entry in ClinVar:

ClinVar aggregate classification (germline): Uncertain significance (1 of 4 stars; one submission).

Submission:

Labcorp Genetics (formerly Invitae), Labcorp
Classification: Uncertain significance. Last evaluated: 2022-09-08. Review status: criteria provided, single submitter. Criteria: Invitae Variant Classification Sherloc (09022015). Collection method: clinical testing. Allele origin: germline.
Comment: In summary, the available evidence is currently insufficient to determine the role of this variant in disease. Therefore, it has been classified as a Variant of Uncertain Significance. Advanced modeling of protein sequence and biophysical properties (such as structural, functional, and spatial information, amino acid conservation, physicochemical variation, residue mobility, and thermodynamic stability) performed at Invitae indicates that this missense variant is expected to disrupt CLUAP1 protein function. This variant has not been reported in the literature in individuals affected with CLUAP1-related conditions. This variant is not present in population databases (gnomAD no frequency). This sequence change replaces asparagine, which is neutral and polar, with lysine, which is basic and polar, at codon 411 of the CLUAP1 protein (p.Asn411Lys).

NM_015041.3(CLUAP1):c.1233T>G (p.Asn411Lys)

Gene: CLUAP1 (clusterin associated protein 1; plus strand). Cytogenetic location: 16p13.3.
Variant type: single nucleotide variant.
Coding change: c.1233T>G on transcript NM_015041.3 (MANE Select); coding-DNA position 1233, T replaced by G.
Protein change: p.Asn411Lys; replaces asparagine 411 with lysine.
Molecular consequence: missense variant.
Genome position (GRCh38, 1-based): chr16:3,536,262, T>G. VCF-style: chr16-3536262-T-G. GRCh37 (hg19) VCF-style: chr16-3586262-T-G.
Other names: c.1290T>G, p.Asn430Lys (NM_001330454.2); c.735T>G, p.Asn245Lys (NM_024793.3); short protein forms N245K, N411K, N430K.
Identifiers: ClinVar variation 2102862 (VCV002102862.4), dbSNP rs1241768952, ClinGen allele CA394516699.